The following is an entry in ClinVar:

NM_022482.5(GZF1):c.1851_1857del (p.Asp618fs)

Gene: GZF1 (GDNF inducible zinc finger protein 1; plus strand). Cytogenetic location: 20p11.21.
Variant type: Deletion.
Coding change: c.1851_1857del on transcript NM_022482.5 (MANE Select); coding-DNA positions 1851 to 1857, 7 bases deleted (TGACGGA; older notation c.1851_1857delTGACGGA).
Protein change: p.Asp618fs; shifts the reading frame from aspartic acid 618.
Molecular consequence: frameshift variant.
Genome position (GRCh38, 1-based): chr20:23,370,156-23,370,162, TGACGGA deleted; deleting any 7 consecutive bases within chr20:23,370,154-23,370,162 gives the same sequence; the c. name uses the placement nearest the transcript's 3' end. VCF-style (leftmost placement, unchanged base first): chr20-23370153-CGATGACG-C. GRCh37 (hg19) VCF-style: chr20-23350790-CGATGACG-C.
Other names: c.1851_1857del, p.Asp618fs (NM_001317012.2); c.1805_1811del, p.Met602fs (NM_001317019.1); short protein forms M602fs, D618fs.
Identifiers: ClinVar variation 3856454 (VCV003856454.1).
Genomic context (GRCh38, chr20:23,370,153, plus strand): 5'-ACACGATAAGAATACTCCATGGAAGTCTTTCCTTGTCATTGTAGATGGCTCGCCCAAGAA[CGATGACG>C]GACACAAGACTGAACAGCCTGACGAAGAGTATGTGTCATCCAAGCTTTCGGATAAATTGC-3'

ClinVar aggregate classification (germline): Uncertain significance (1 of 4 stars; one submission).

Conditions:
Inborn genetic diseases. Identifiers: MedGen C0950123, MeSH D030342.

Submission:

Ambry Genetics
Classification: Uncertain significance for Inborn genetic diseases. Last evaluated: 2025-01-02. Review status: criteria provided, single submitter. Criteria: Ambry Variant Classification Scheme 2023. Collection method: clinical testing. Allele origin: germline.
Comment: The c.1851_1857delTGACGGA (p.D618Tfs*74) alteration, located in exon 5 (coding exon 5) of the GZF1 gene, consists of a deletion of 7 nucleotides from position 1851 to 1857, causing a translational frameshift with a predicted alternate stop codon after 74 amino acids. This variant is not expected to trigger nonsense-mediated mRNA decay, and impacts the last 13.2%/94 amino acids of the protein. The exact functional effect of this alteration is unknown. This variant was not reported in population-based cohorts in the Genome Aggregation Database (gnomAD). Based on insufficient or conflicting evidence, the clinical significance of this alteration remains unclear.